The following is an entry in ClinVar:

NM_012062.5(DNM1L):c.692T>C (p.Met231Thr)

Gene: DNM1L (dynamin 1 like; plus strand). Cytogenetic location: 12p11.21.
Variant type: single nucleotide variant.
Coding change: c.692T>C on transcript NM_012062.5 (MANE Select); coding-DNA position 692, T replaced by C.
Protein change: p.Met231Thr; replaces methionine 231 with threonine.
Molecular consequence: missense variant. On other transcripts: intron variant (1).
Genome position (GRCh38, 1-based): chr12:32,718,715, T>C. VCF-style: chr12-32718715-T-C. GRCh37 (hg19) VCF-style: chr12-32871649-T-C.
Other names: c.692T>C, p.Met231Thr (NM_001278463.2, NM_005690.5, NM_012063.4); c.731T>C, p.Met244Thr (NM_001278464.2, NM_001278465.2, NM_001330380.2); c.132-1949T>C (NM_001278466.2); short protein forms M231T, M244T.
Identifiers: ClinVar variation 2736511 (VCV002736511.3), dbSNP rs2541036211, ClinGen allele CA384368980.
Genomic context (GRCh38, chr12:32,718,715, plus strand): 5'-TAGCTGTAATCACTAAACTTGATCTCATGGATGCGGGTACTGATGCCATGGATGTATTGA[T>C]GGGAAGGGTTATTCCAGTCAAACTTGGAATAATTGGAGTAGTTAACAGGTTAGCAGTTAG-3'
Protein context (NP_036192.2, residues 221-241): DAGTDAMDVL[Met231Thr]GRVIPVKLGI

ClinVar aggregate classification (germline): Uncertain significance (1 of 4 stars; one submission).

Submission:

Labcorp Genetics (formerly Invitae), Labcorp
Classification: Uncertain significance. Last evaluated: 2023-07-25. Review status: criteria provided, single submitter. Criteria: Invitae Variant Classification Sherloc (09022015). Collection method: clinical testing. Allele origin: germline.
Comment: This sequence change replaces methionine, which is neutral and non-polar, with threonine, which is neutral and polar, at codon 231 of the DNM1L protein (p.Met231Thr). This variant has not been reported in the literature in individuals affected with DNM1L-related conditions. This variant is not present in population databases (gnomAD no frequency). In summary, the available evidence is currently insufficient to determine the role of this variant in disease. Therefore, it has been classified as a Variant of Uncertain Significance. An algorithm developed to predict the effect of missense changes on protein structure and function (PolyPhen-2) suggests that this variant is likely to be tolerated.